The following is an entry in ClinVar:

ClinVar aggregate classification (germline): Conflicting classifications of pathogenicity. Review status: criteria provided, conflicting classifications (1 of 4 stars). 4 submissions from 3 submitters: Uncertain significance (1); Benign (1); Likely benign (2). Last evaluated 2026-07-23.

Conditions:
Migraine, familial hemiplegic, 2. Identifiers: Orphanet 569, MedGen C1865322, MONDO:0011232, OMIM 602481.
Alternating hemiplegia of childhood 1 (AHC1). Identifiers: Orphanet 2131, MedGen C3549447, MONDO:0007087, OMIM 104290.
Familial hemiplegic migraine. Identifiers: MedGen C0338484, MONDO:0000700.

Allele frequency attached by ClinVar (database versions not stated): gnomAD 0.00002 and 0.00003; ExAC 0.00007; TOPMed 0.00003; gnomAD exomes 0.00004.
gnomAD v4.1: 48 of 1,614,170 alleles (0.003%); highest among the groups gnomAD compares: East Asian, 0.06%; no homozygotes.

Submissions (4):

GeneDx
Classification: Uncertain significance. Last evaluated: 2026-07-23. Review status: criteria provided, single submitter. Criteria: GeneDx Variant Classification Process June 2021. Collection method: clinical testing. Allele origin: germline.
Comment: Previously reported in an individual with hemiplegic migraine (PMID: 35257835); In silico analysis supports that this missense variant has a deleterious effect on protein structure/function; This variant is associated with the following publications: (PMID: 35257835, 27397505)

Labcorp Genetics (formerly Invitae), Labcorp
Classification: Likely benign for Familial hemiplegic migraine. Last evaluated: 2025-10-17. Review status: criteria provided, single submitter. Criteria: Invitae Variant Classification Sherloc (09022015). Collection method: clinical testing. Allele origin: germline.

Illumina Laboratory Services, Illumina
Classification: Benign for Alternating hemiplegia of childhood 1. Last evaluated: 2018-01-13. Review status: criteria provided, single submitter. Criteria: ICSL Variant Classification Criteria 13 December 2019. Collection method: clinical testing. Allele origin: germline.
Comment: This variant was observed in the ICSL laboratory as part of a predisposition screen in an ostensibly healthy population. It had not been previously curated by ICSL or reported in the Human Gene Mutation Database (HGMD: prior to June 1st, 2018), and was therefore a candidate for classification through an automated scoring system. Utilizing variant allele frequency, disease prevalence and penetrance estimates, and inheritance mode, an automated score was calculated to assess if this variant is too frequent to cause the disease. Based on the score and internal cut-off values, a variant classified as benign is not then subjected to further curation. The score for this variant resulted in a classification of benign for this disease.

Illumina Laboratory Services, Illumina
Classification: Likely benign for Migraine, familial hemiplegic, 2. Last evaluated: 2018-01-13. Review status: criteria provided, single submitter. Criteria: ICSL Variant Classification Criteria 13 December 2019. Collection method: clinical testing. Allele origin: germline.
Comment: This variant was observed in the ICSL laboratory as part of a predisposition screen in an ostensibly healthy population. It had not been previously curated by ICSL or reported in the Human Gene Mutation Database (HGMD: prior to June 1st, 2018), and was therefore a candidate for classification through an automated scoring system. Utilizing variant allele frequency, disease prevalence and penetrance estimates, and inheritance mode, an automated score was calculated to assess if this variant is too frequent to cause the disease. Based on the score and internal cut-off values, a variant classified as likely benign is not then subjected to further curation. The score for this variant resulted in a classification of likely benign for this disease.

NM_000702.4(ATP1A2):c.151C>T (p.Arg51Cys)

Gene: ATP1A2 (ATPase Na+/K+ transporting subunit alpha 2; plus strand). Cytogenetic location: 1q23.2.
Variant type: single nucleotide variant.
Coding change: c.151C>T on transcript NM_000702.4 (MANE Select); coding-DNA position 151, C replaced by T.
Protein change: p.Arg51Cys; replaces arginine 51 with cysteine.
Molecular consequence: missense variant.
Genome position (GRCh38, 1-based): chr1:160,121,225, C>T. VCF-style: chr1-160121225-C-T. GRCh37 (hg19) VCF-style: chr1-160091015-C-T.
Other names: short protein forms R51C.
Identifiers: ClinVar variation 841998 (VCV000841998.14), dbSNP rs747283283, ClinGen allele CA1194101.